The following is an entry in ClinVar:

ClinVar aggregate classification (germline): Uncertain significance. Review status: criteria provided, multiple submitters, no conflicts (2 of 4 stars). 3 submissions from 3 submitters: Uncertain significance (3). Last evaluated 2024-02-26.

Conditions:
Polycystic kidney disease 2 (PKD2). Also called: Polycystic Kidney Disease 2, Autosomal Dominant; POLYCYSTIC KIDNEY DISEASE, ADULT, TYPE II; POLYCYSTIC KIDNEY DISEASE 2 WITH OR WITHOUT POLYCYSTIC LIVER DISEASE. Identifiers: MedGen C2751306, MONDO:0013131, OMIM 613095.
Autosomal dominant polycystic kidney disease. Identifiers: Orphanet 730, MedGen C0085413, MONDO:0004691.

Allele frequency attached by ClinVar (database versions not stated): gnomAD exomes below 0.00001; TOPMed 0.00001.
gnomAD v4.1: 2 of 1,611,878 alleles (0.00012%); highest among the groups gnomAD compares: Non-Finnish European, 0.00017%; no homozygotes.

Submissions (3):

Fulgent Genetics
Classification: Uncertain significance for Polycystic kidney disease 2. Last evaluated: 2024-02-26. Review status: criteria provided, single submitter. Criteria: ACMG Guidelines, 2015. Collection method: clinical testing. Allele origin: germline.

Labcorp Genetics (formerly Invitae), Labcorp
Classification: Uncertain significance for Autosomal dominant polycystic kidney disease. Last evaluated: 2024-02-13. Review status: criteria provided, single submitter. Criteria: Invitae Variant Classification Sherloc (09022015). Collection method: clinical testing. Allele origin: germline.
Comment: This sequence change replaces arginine, which is basic and polar, with cysteine, which is neutral and slightly polar, at codon 496 of the PKD2 protein (p.Arg496Cys). This variant is not present in population databases (gnomAD no frequency). This variant has not been reported in the literature in individuals affected with PKD2-related conditions. ClinVar contains an entry for this variant (Variation ID: 976602). Advanced modeling of protein sequence and biophysical properties (such as structural, functional, and spatial information, amino acid conservation, physicochemical variation, residue mobility, and thermodynamic stability) has been performed at Invitae for this missense variant, however the output from this modeling did not meet the statistical confidence thresholds required to predict the impact of this variant on PKD2 protein function. Algorithms developed to predict the effect of sequence changes on RNA splicing suggest that this variant may disrupt the consensus splice site. In summary, the available evidence is currently insufficient to determine the role of this variant in disease. Therefore, it has been classified as a Variant of Uncertain Significance.

Illumina Laboratory Services, Illumina
Classification: Uncertain significance for Polycystic kidney disease 2. Last evaluated: 2017-04-28. Review status: criteria provided, single submitter. Criteria: ICSL Variant Classification Criteria 13 December 2019. Collection method: clinical testing. Allele origin: germline.

NM_000297.4(PKD2):c.1486C>T (p.Arg496Cys)

Gene: PKD2 (polycystin 2, transient receptor potential cation channel; plus strand). Cytogenetic location: 4q22.1.
Variant type: single nucleotide variant.
Coding change: c.1486C>T on transcript NM_000297.4 (MANE Select); coding-DNA position 1486, C replaced by T.
Protein change: p.Arg496Cys; replaces arginine 496 with cysteine.
Molecular consequence: missense variant. On other transcripts: non-coding transcript variant (1).
Genome position (GRCh38, 1-based): chr4:88,046,808, C>T. VCF-style: chr4-88046808-C-T. GRCh37 (hg19) VCF-style: chr4-88967960-C-T.
Other names: short protein forms R496C.
Identifiers: ClinVar variation 976602 (VCV000976602.8), dbSNP rs977431912, ClinGen allele CA100867794.